The following is an entry in ClinVar:

ClinVar aggregate classification (germline): Pathogenic. Review status: criteria provided, multiple submitters, no conflicts (2 of 4 stars). 3 submissions from 3 submitters: Pathogenic (2). 1 of the submissions does not count toward it. Last evaluated 2024-12-07.

Conditions:
Dejerine-Sottas disease. Also called: DEJERINE-SOTTAS NEUROPATHY; HEREDITARY MOTOR AND SENSORY NEUROPATHY TYPE III; Charcot-Marie-Tooth disease type 3; HMSN Type III; Hereditary motor and sensory neuropathy 3. Identifiers: Orphanet 64748, MedGen C0011195, MONDO:0007790, OMIM 145900.
Charcot-Marie-Tooth disease type 1E. Also called: Charcot-Marie-Tooth Neuropathy Type 1E; Charcot-Marie-Tooth disease and deafness; CHARCOT-MARIE-TOOTH DISEASE, DEMYELINATING, TYPE 1E; CHARCOT-MARIE-TOOTH NEUROPATHY AND DEAFNESS, AUTOSOMAL DOMINANT. Identifiers: Orphanet 90658, MedGen C3495591, MONDO:0007311, OMIM 118300.
Charcot-Marie-Tooth disease, type I (CMT1). Also called: Charcot-Marie-Tooth disease type 1; Charcot-Marie-Tooth, Type 1. Identifiers: Orphanet 65753, MedGen C0751036, MONDO:0019011.
Charcot-Marie-Tooth disease, type IA (CMT1A). Also called: CHARCOT-MARIE-TOOTH DISEASE, DEMYELINATING, TYPE 1A; Charcot-Marie-Tooth disease type 1A; CMT 1A; Hereditary motor and sensory neuropathy 1A; HMSN 1A; CHARCOT-MARIE-TOOTH DISEASE, AUTOSOMAL DOMINANT, WITH FOCALLY FOLDED MYELIN SHEATHS, TYPE 1A. Identifiers: Orphanet 101081, MedGen C0270911, MONDO:0007309, OMIM 118220.

Submissions (3):

Palindrome, Gene Kavoshgaran Aria
Classification: Pathogenic for Charcot-Marie-Tooth disease, type IA. Last evaluated: 2024-12-07. Review status: criteria provided, single submitter. Criteria: ACMG Guidelines, 2015. Collection method: clinical testing. Allele origin: germline. Inheritance: Autosomal dominant inheritance. Affected: yes. Observed: 1 heterozygote.

Labcorp Genetics (formerly Invitae), Labcorp
Classification: Pathogenic for Charcot-Marie-Tooth disease, type I. Last evaluated: 2024-01-31. Review status: criteria provided, single submitter. Criteria: Invitae Variant Classification Sherloc (09022015). Collection method: clinical testing. Allele origin: germline.
Comment: This sequence change replaces glycine, which is neutral and non-polar, with valine, which is neutral and non-polar, at codon 150 of the PMP22 protein (p.Gly150Val). This variant is not present in population databases (gnomAD no frequency). This missense change has been observed in individual(s) with clinical features of Charcot-Marie-Tooth disease (PMID: 28600779, 32719652). In at least one individual the variant was observed to be de novo. ClinVar contains an entry for this variant (Variation ID: 433198). Advanced modeling of protein sequence and biophysical properties (such as structural, functional, and spatial information, amino acid conservation, physicochemical variation, residue mobility, and thermodynamic stability) performed at Invitae indicates that this missense variant is expected to disrupt PMP22 protein function with a positive predictive value of 95%. This variant disrupts the p.Gly150 amino acid residue in PMP22. Other variant(s) that disrupt this residue have been determined to be pathogenic (PMID: 8995589, 9544841, 26392352). This suggests that this residue is clinically significant, and that variants that disrupt this residue are likely to be disease-causing. For these reasons, this variant has been classified as Pathogenic.

Institute of Human Genetics, University of Goettingen
Classification: Pathogenic for Dejerine-Sottas disease; Charcot-Marie-Tooth disease type 1E. Review status: no assertion criteria provided. Collection method: clinical testing. Allele origin: germline. Inheritance: Autosomal dominant inheritance. Affected: yes. Observed: 1 variant allele, 1 heterozygote. Not counted in ClinVar's aggregate classification.

Literature cited by the submitters: PubMed 28600779 (cited by Labcorp Genetics (formerly Invitae), Labcorp); PubMed 32719652 (cited by Labcorp Genetics (formerly Invitae), Labcorp); PubMed 8995589 (cited by Labcorp Genetics (formerly Invitae), Labcorp); PubMed 9544841 (cited by Labcorp Genetics (formerly Invitae), Labcorp); PubMed 26392352 (cited by Labcorp Genetics (formerly Invitae), Labcorp).

NM_000304.4(PMP22):c.449G>T (p.Gly150Val)

Gene: PMP22 (peripheral myelin protein 22; minus strand). Cytogenetic location: 17p12.
Variant type: single nucleotide variant.
Coding change: c.449G>T on transcript NM_000304.4 (MANE Select); coding-DNA position 449, G replaced by T.
Protein change: p.Gly150Val; replaces glycine 150 with valine.
Molecular consequence: missense variant. On other transcripts: non-coding transcript variant (2).
Genome position (GRCh38, 1-based): chr17:15,230,951, C>A on the plus strand (G>T on the coding strand, the complement: PMP22 is on the minus strand). VCF-style: chr17-15230951-C-A. GRCh37 (hg19) VCF-style: chr17-15134268-C-A.
Other names: c.449G>T, p.Gly150Val (NM_001281455.2, NM_001281456.2, NM_153321.3 and 1 more transcripts); short protein forms G150V.
Identifiers: ClinVar variation 433198 (VCV000433198.8), dbSNP rs879253954, ClinGen allele CA398739500.
Genomic context (GRCh38, chr17:15,230,951, plus strand): 5'-AGCCTCAGACAGACCGTCTGGGCGCCTCATTCGCGTTTCCGCAAGATCACATAGATGACA[C>A]CGCTGAGAAGGGCCAGGGGGAAGGCCACCCAGGCCAGGATGTAGGCGAAACCGTAGGAGT-3'
Protein context (NP_000295.1, residues 140-160): WVAFPLALLS[Gly150Val]VIYVILRKRE